The following is an entry in ClinVar:

NM_004168.4(SDHA):c.1473del (p.Glu491fs)

Gene: SDHA (succinate dehydrogenase complex flavoprotein subunit A; plus strand). Cytogenetic location: 5p15.33.
Variant type: Deletion.
Coding change: c.1473del on transcript NM_004168.4 (MANE Select); coding-DNA position 1473, one base deleted (A; older notation c.1473delA).
Protein change: p.Glu491fs; shifts the reading frame from glutamic acid 491.
Molecular consequence: frameshift variant.
Genome position (GRCh38, 1-based): chr5:240,398, A deleted; the last of 2 consecutive A bases (chr5:240,397-240,398); deleting either gives the same sequence. VCF-style (leftmost placement, unchanged base first): chr5-240396-GA-G. GRCh37 (hg19) VCF-style: chr5-240511-GA-G.
Other names: c.1329del, p.Glu443fs (NM_001294332.2); c.1473del, p.Glu491fs (NM_001330758.2); short protein forms E443fs, E491fs.
Identifiers: ClinVar variation 2674028 (VCV002674028.1), dbSNP rs2477397838, ClinGen allele CA2695198573.

ClinVar aggregate classification (germline): Pathogenic (1 of 4 stars; one submission).

Conditions:
Pheochromocytoma/paraganglioma syndrome 5. Also called: Paragangliomas 5; SDHA-Related Hereditary Paraganglioma-Pheochromocytoma Syndrome. Identifiers: Orphanet 29072, MedGen C3279992, MONDO:0013602, OMIM 614165.

Submission:

Myriad Genetics, Inc.
Classification: Pathogenic for Pheochromocytoma/paraganglioma syndrome 5. Last evaluated: 2023-12-11. Review status: criteria provided, single submitter. Criteria: Myriad Autosomal Dominant, Autosomal Recessive and X-Linked Classification Criteria (2023). Collection method: clinical testing. Allele origin: unknown.
Comment: This variant is considered pathogenic. This variant creates a frameshift predicted to result in premature protein truncation.